The following is an entry in ClinVar:

NM_017780.4(CHD7):c.8017C>G (p.Leu2673Val)

Gene: CHD7 (chromodomain helicase DNA binding protein 7; plus strand). Cytogenetic location: 8q12.2.
Variant type: single nucleotide variant.
Coding change: c.8017C>G on transcript NM_017780.4 (MANE Select); coding-DNA position 8017, C replaced by G.
Protein change: p.Leu2673Val; replaces leucine 2673 with valine.
Molecular consequence: missense variant.
Genome position (GRCh38, 1-based): chr8:60,862,593, C>G. VCF-style: chr8-60862593-C-G. GRCh37 (hg19) VCF-style: chr8-61775152-C-G.
Other names: c.1870C>G, p.Leu624Val (NM_001316690.1); short protein forms L2673V, L624V.
Identifiers: ClinVar variation 3774813 (VCV003774813.1).

ClinVar aggregate classification (germline): Uncertain significance (1 of 4 stars; one submission).

Submission:

GeneDx
Classification: Uncertain significance. Last evaluated: 2024-09-26. Review status: criteria provided, single submitter. Criteria: GeneDx Variant Classification Process June 2021. Collection method: clinical testing. Allele origin: germline. Affected: yes.
Comment: Not observed at significant frequency in large population cohorts (gnomAD); In silico analysis indicates that this missense variant does not alter protein structure/function; Has not been previously published as pathogenic or benign to our knowledge